The following is an entry in ClinVar:

ClinVar aggregate classification (germline): Conflicting classifications of pathogenicity. Review status: criteria provided, conflicting classifications (1 of 4 stars). 2 submissions from 2 submitters: Uncertain significance (1); Likely benign (1). Last evaluated 2024-10-28.

Allele frequency attached by ClinVar (database versions not stated): gnomAD 0.00001; gnomAD exomes 0.00003; ExAC 0.00004.
gnomAD v4.1: 45 of 1,613,954 alleles (0.0028%); highest among the groups gnomAD compares: Non-Finnish European, 0.0035%; no homozygotes.

Submissions (2):

Labcorp Genetics (formerly Invitae), Labcorp
Classification: Uncertain significance. Last evaluated: 2024-10-28. Review status: criteria provided, single submitter. Criteria: Invitae Variant Classification Sherloc (09022015). Collection method: clinical testing. Allele origin: germline.
Comment: This sequence change replaces aspartic acid, which is acidic and polar, with glutamic acid, which is acidic and polar, at codon 2184 of the VCAN protein (p.Asp2184Glu). This variant is present in population databases (rs779908463, gnomAD 0.006%). This variant has not been reported in the literature in individuals affected with VCAN-related conditions. ClinVar contains an entry for this variant (Variation ID: 1398393). An algorithm developed to predict the effect of missense changes on protein structure and function outputs the following: PolyPhen-2: "Benign". The glutamic acid amino acid residue is found in multiple mammalian species, which suggests that this missense change does not adversely affect protein function. In summary, the available evidence is currently insufficient to determine the role of this variant in disease. Therefore, it has been classified as a Variant of Uncertain Significance.

Blueprint Genetics
Classification: Likely benign. Last evaluated: 2022-06-13. Review status: criteria provided, single submitter. Criteria: ACMG Guidelines, 2015. Collection method: clinical testing. Allele origin: germline.

NM_004385.5(VCAN):c.6552T>A (p.Asp2184Glu)

Genes: VCAN (versican; plus strand), VCAN-AS1 (VCAN antisense RNA 1; minus strand). Cytogenetic location: 5q14.3.
Variant type: single nucleotide variant.
Coding change: c.6552T>A on transcript NM_004385.5 (MANE Select); coding-DNA position 6552, T replaced by A.
Protein change: p.Asp2184Glu; replaces aspartic acid 2184 with glutamic acid.
Molecular consequence: missense variant. On other transcripts: intron variant (2).
Genome position (GRCh38, 1-based): chr5:83,539,555, T>A. VCF-style: chr5-83539555-T-A. GRCh37 (hg19) VCF-style: chr5-82835374-T-A.
Other names: c.3591T>A, p.Asp1197Glu (NM_001164097.2); c.4004-5982T>A (NM_001164098.2); c.1043-5982T>A (NM_001126336.3); short protein forms D2184E, D1197E.
Identifiers: ClinVar variation 1398393 (VCV001398393.7), dbSNP rs779908463, ClinGen allele CA3333493.